The following is an entry in ClinVar:

ClinVar aggregate classification (germline): Likely benign (1 of 4 stars; one submission).

Allele frequency attached by ClinVar (database versions not stated): TOPMed below 0.00001; ExAC 0.00001; gnomAD 0.00001.
gnomAD v4.1: 2 of 1,407,004 alleles (0.00014%); highest among the groups gnomAD compares: African/African-American, 0.0014%; no homozygotes.

Submission:

CeGaT Center for Human Genetics Tuebingen
Classification: Likely benign. Last evaluated: 2022-08-01. Review status: criteria provided, single submitter. Criteria: CeGaT Center For Human Genetics Tuebingen Variant Classification Criteria Version 2. Collection method: clinical testing. Allele origin: germline. Affected: yes. Observed: 1 variant allele.
Comment: RNF13: BP4

NM_183381.3(RNF13):c.409+17C>T

Gene: RNF13 (ring finger protein 13; plus strand). Cytogenetic location: 3q25.1.
Variant type: single nucleotide variant.
Coding change: c.409+17C>T on transcript NM_183381.3 (MANE Select); 17 bases into the intron after coding-DNA position 409, C replaced by T.
Molecular consequence: intron variant.
Genome position (GRCh38, 1-based): chr3:149,895,577, C>T. VCF-style: chr3-149895577-C-T. GRCh37 (hg19) VCF-style: chr3-149613364-C-T.
Other names: c.52+7C>T (NM_001378287.1, NM_001378290.1, NM_183383.2 and 2 more transcripts); c.409+17C>T (NM_001378285.1, NM_007282.4, NM_001378286.1); c.16+17C>T (NM_001378291.1).
Identifiers: ClinVar variation 2654225 (VCV002654225.24), dbSNP rs774043594, ClinGen allele CA2662982.
Genomic context (GRCh38, chr3:149,895,577, plus strand): 5'-CAATGTTGATTCTGATGACCTCATTAGCATGGGATCCAACGACAGTAAGTACAGGTATCA[C>T]TTTTCTTCTCTCCTGTTTGACAGATCATTTGTAACTAAAAATTAACAGGATTTTCCTTCT-3'